The following is an entry in ClinVar:

ClinVar aggregate classification (germline): Uncertain significance (1 of 4 stars; one submission).

Submission:

Women's Health and Genetics/Laboratory Corporation of America, LabCorp
Classification: Uncertain significance. Last evaluated: 2023-05-04. Review status: criteria provided, single submitter. Criteria: LabCorp Variant Classification Summary - May 2015. Collection method: clinical testing. Allele origin: germline.
Comment: Variant summary: NEB c.5246A>G (p.Tyr1749Cys) results in a non-conservative amino acid change in the encoded protein sequence. Four of five in-silico tools predict a damaging effect of the variant on protein function. The variant was absent in 245100 control chromosomes (gnomAD). The available data on variant occurrences in the general population are insufficient to allow any conclusion about variant significance. To our knowledge, no occurrence of c.5246A>G in individuals affected with Nemaline Myopathy 2 and no experimental evidence demonstrating its impact on protein function have been reported. No clinical diagnostic laboratories have submitted clinical-significance assessments for this variant to ClinVar after 2014. Based on the evidence outlined above, the variant was classified as uncertain significance.

NM_001164508.2(NEB):c.5246A>G (p.Tyr1749Cys)

Gene: NEB (nebulin; minus strand). Cytogenetic location: 2q23.3.
Variant type: single nucleotide variant.
Coding change: c.5246A>G on transcript NM_001164508.2 (MANE Select); coding-DNA position 5246, A replaced by G.
Protein change: p.Tyr1749Cys; replaces tyrosine 1749 with cysteine.
Molecular consequence: missense variant.
Genome position (GRCh38, 1-based): chr2:151,664,856, T>C on the plus strand (A>G on the coding strand, the complement: NEB is on the minus strand). VCF-style: chr2-151664856-T-C. GRCh37 (hg19) VCF-style: chr2-152521370-T-C.
Other names: c.5246A>G, p.Tyr1749Cys (NM_001164507.2, NM_001271208.2, NM_004543.5); short protein forms Y1749C.
Identifiers: ClinVar variation 2506257 (VCV002506257.1), dbSNP rs2552257508, ClinGen allele CA348811840.